The following is an entry in ClinVar:

ClinVar aggregate classification (germline): Likely pathogenic. Review status: criteria provided, single submitter (1 of 4 stars). 2 submissions from 2 submitters: Likely pathogenic (1). 1 of the submissions does not count toward it. Last evaluated 2025-02-07.

Conditions:
Lowe syndrome (OCRL). Also called: LOWE OCULOCEREBRORENAL SYNDROME; Oculocerebrorenal Syndrome; PHOSPHATIDYLINOSITOL 4,5-BISPHOSPHATE 5-PHOSPHATASE DEFICIENCY. Identifiers: Orphanet 534, MedGen C0028860, MONDO:0010645, OMIM 309000.

Submissions (2):

Labcorp Genetics (formerly Invitae), Labcorp
Classification: Likely pathogenic for Lowe syndrome. Last evaluated: 2025-02-07. Review status: criteria provided, single submitter. Criteria: Invitae Variant Classification Sherloc (09022015). Collection method: clinical testing. Allele origin: germline.
Comment: This sequence change replaces histidine, which is basic and polar, with proline, which is neutral and non-polar, at codon 660 of the OCRL protein (p.His660Pro). This variant is not present in population databases (gnomAD no frequency). This missense change has been observed in individual(s) with Lowe syndrome (PMID: 33139981). In at least one individual the variant was observed to be de novo. ClinVar contains an entry for this variant (Variation ID: 689471). Invitae Evidence Modeling of protein sequence and biophysical properties (such as structural, functional, and spatial information, amino acid conservation, physicochemical variation, residue mobility, and thermodynamic stability) indicates that this missense variant is expected to disrupt OCRL protein function with a positive predictive value of 80%. This variant disrupts the p.His660 amino acid residue in OCRL. Other variant(s) that disrupt this residue have been observed in individuals with OCRL-related conditions (PMID: 36685964), which suggests that this may be a clinically significant amino acid residue. In summary, the currently available evidence indicates that the variant is pathogenic, but additional data are needed to prove that conclusively. Therefore, this variant has been classified as Likely Pathogenic.

Felix Claverie-Martin Laboratory, Hospital Universitario Nuestra Senora de Candelaria
Classification: Pathogenic for Lowe syndrome. Review status: no assertion criteria provided. Collection method: clinical testing. Allele origin: maternal. Inheritance: X-linked recessive inheritance. Affected: yes. Observed: 1 variant allele, 1 heterozygote. Not counted in ClinVar's aggregate classification.

Literature cited by the submitters: PubMed 33139981 (cited by Labcorp Genetics (formerly Invitae), Labcorp); PubMed 36685964 (cited by Labcorp Genetics (formerly Invitae), Labcorp).

NM_000276.4(OCRL):c.1979A>C (p.His660Pro)

Gene: OCRL (OCRL inositol polyphosphate-5-phosphatase; plus strand). Cytogenetic location: Xq26.1.
Variant type: single nucleotide variant.
Coding change: c.1979A>C on transcript NM_000276.4 (MANE Select); coding-DNA position 1979, A replaced by C.
Protein change: p.His660Pro; replaces histidine 660 with proline.
Molecular consequence: missense variant.
Genome position (GRCh38, 1-based): chrX:129,576,416, A>C. VCF-style: chrX-129576416-A-C. GRCh37 (hg19) VCF-style: chrX-128710393-A-C.
Other names: c.1982A>C, p.His661Pro (NM_001318784.2); c.1979A>C, p.His660Pro (NM_001587.4); short protein forms H660P, H661P.
Identifiers: ClinVar variation 689471 (VCV000689471.3), dbSNP rs1602802640, ClinGen allele CA414621105.